The following is an entry in ClinVar:

NM_001365276.2(TNXB):c.8956T>C (p.Tyr2986His)

Gene: TNXB (tenascin XB; minus strand). Cytogenetic location: 6p21.33.
Variant type: single nucleotide variant.
Coding change: c.8956T>C on transcript NM_001365276.2 (MANE Select); coding-DNA position 8956, T replaced by C.
Protein change: p.Tyr2986His; replaces tyrosine 2986 with histidine.
Molecular consequence: missense variant.
Genome position (GRCh38, 1-based): chr6:32,052,829, A>G on the plus strand (T>C on the coding strand, the complement: TNXB is on the minus strand). VCF-style: chr6-32052829-A-G. GRCh37 (hg19) VCF-style: chr6-32020606-A-G.
Other names: c.9697T>C, p.Tyr3233His (NM_001428335.1); c.8950T>C, p.Tyr2984His (NM_019105.8); short protein forms Y3233H, Y2986H, Y2984H.
Identifiers: ClinVar variation 3809329 (VCV003809329.1).

ClinVar aggregate classification (germline): Uncertain significance (1 of 4 stars; one submission).

Conditions:
Cardiovascular phenotype. Identifiers: MedGen CN230736.

gnomAD v4.1: 8 of 1,613,470 alleles (0.0005%); highest among the groups gnomAD compares: Admixed American, 0.0017%; no homozygotes.

Submission:

Ambry Genetics
Classification: Uncertain significance for Cardiovascular phenotype. Last evaluated: 2025-01-06. Review status: criteria provided, single submitter. Criteria: Ambry Variant Classification Scheme 2023. Collection method: clinical testing. Allele origin: germline.
Comment: The p.Y2984H variant (also known as c.8950T>C), located in coding exon 25 of the TNXB gene, results from a T to C substitution at nucleotide position 8950. The tyrosine at codon 2984 is replaced by histidine, an amino acid with similar properties. This amino acid position is conserved. In addition, this alteration is predicted to be tolerated by in silico analysis. Based on the available evidence, the clinical significance of this variant remains unclear.